The following is an entry in ClinVar:

NM_001142784.3(IL11RA):c.741G>A (p.Pro247=)

Gene: IL11RA (interleukin 11 receptor subunit alpha; plus strand). Cytogenetic location: 9p13.3.
Variant type: single nucleotide variant.
Coding change: c.741G>A on transcript NM_001142784.3 (MANE Select); coding-DNA position 741, G replaced by A.
Protein change: p.Pro247=; no amino-acid change (proline 247 retained).
Molecular consequence: synonymous variant. On other transcripts: non-coding transcript variant (1).
Genome position (GRCh38, 1-based): chr9:34,658,614, G>A. VCF-style: chr9-34658614-G-A. GRCh37 (hg19) VCF-style: chr9-34658611-G-A.
Other names: c.741G>A (NM_001142784.2).
Identifiers: ClinVar variation 2082588 (VCV002082588.6), dbSNP rs139449152, ClinGen allele CA5036581.

ClinVar aggregate classification (germline): Likely benign. Review status: criteria provided, single submitter (1 of 4 stars). 2 submissions from 2 submitters: Likely benign (1). 1 of the submissions does not count toward it. Last evaluated 2022-08-30.

Conditions:
IL11RA-related disorder. Also called: IL11RA-related condition.

Allele frequency attached by ClinVar (database versions not stated): ExAC 0.00011; ESP Exome Variant Server 0.00015.

Submissions (2):

Labcorp Genetics (formerly Invitae), Labcorp
Classification: Likely benign. Last evaluated: 2022-08-30. Review status: criteria provided, single submitter. Criteria: Invitae Variant Classification Sherloc (09022015). Collection method: clinical testing. Allele origin: germline.

PreventionGenetics, part of Exact Sciences
Classification: Likely benign for IL11RA-related condition. Last evaluated: 2019-07-10. Review status: no assertion criteria provided. Collection method: clinical testing. Allele origin: germline. Not counted in ClinVar's aggregate classification.
Comment: This variant is classified as likely benign based on ACMG/AMP sequence variant interpretation guidelines (Richards et al. 2015 PMID: 25741868, with internal and published modifications).